The following is an entry in ClinVar:

ClinVar aggregate classification (germline): Uncertain significance (1 of 4 stars; one submission).

Submission:

Labcorp Genetics (formerly Invitae), Labcorp
Classification: Uncertain significance. Last evaluated: 2021-02-18. Review status: criteria provided, single submitter. Criteria: Invitae Variant Classification Sherloc (09022015). Collection method: clinical testing. Allele origin: germline.
Comment: This sequence change replaces glutamine with arginine at codon 1155 of the COL7A1 protein (p.Gln1155Arg). The glutamine residue is weakly conserved and there is a small physicochemical difference between glutamine and arginine. This variant is not present in population databases (ExAC no frequency). This variant has not been reported in the literature in individuals with COL7A1-related conditions. Advanced modeling of protein sequence and biophysical properties (such as structural, functional, and spatial information, amino acid conservation, physicochemical variation, residue mobility, and thermodynamic stability) performed at Invitae indicates that this missense variant is not expected to disrupt COL7A1 protein function. In summary, the available evidence is currently insufficient to determine the role of this variant in disease. Therefore, it has been classified as a Variant of Uncertain Significance.

NM_000094.4(COL7A1):c.3464A>G (p.Gln1155Arg)

Gene: COL7A1 (collagen type VII alpha 1 chain; minus strand). Cytogenetic location: 3p21.31.
Variant type: single nucleotide variant.
Coding change: c.3464A>G on transcript NM_000094.4 (MANE Select); coding-DNA position 3464, A replaced by G.
Protein change: p.Gln1155Arg; replaces glutamine 1155 with arginine.
Molecular consequence: missense variant.
Genome position (GRCh38, 1-based): chr3:48,586,418, T>C on the plus strand (A>G on the coding strand, the complement: COL7A1 is on the minus strand). VCF-style: chr3-48586418-T-C. GRCh37 (hg19) VCF-style: chr3-48623851-T-C.
Other names: short protein forms Q1155R.
Identifiers: ClinVar variation 1410479 (VCV001410479.8), dbSNP rs2107748893, ClinGen allele CA352705441.
Genomic context (GRCh38, chr3:48,586,418, plus strand): 5'-CTGAATATGTCACCTCTCAAGGGTTCATCCACTAGCAGAACCATCACCCCTGGTACGTGC[T>C]GGCGGCGCCCAGGAGCATCTGGTGCCAACATGTATCTGTGAGCTGTGACCACGGCTGTGC-3'
Protein context (NP_000085.1, residues 1145-1165): MLAPDAPGRR[Gln1155Arg]HVPGVMVLLV